The following is an entry in ClinVar:

ClinVar aggregate classification (germline): Pathogenic. Review status: criteria provided, multiple submitters, no conflicts (2 of 4 stars). 2 submissions from 2 submitters: Pathogenic (2). Last evaluated 2024-04-05.

Conditions:
Familial adenomatous polyposis 1 (FAP1). Also called: POLYPOSIS, ADENOMATOUS INTESTINAL; FAMILIAL ADENOMATOUS POLYPOSIS 1, ATTENUATED. Identifiers: MedGen C2713442, MONDO:0021056, OMIM 175100. Disease mechanism: loss of function.

Submissions (2):

Labcorp Genetics (formerly Invitae), Labcorp
Classification: Pathogenic for Familial adenomatous polyposis 1. Last evaluated: 2024-04-05. Review status: criteria provided, single submitter. Criteria: Invitae Variant Classification Sherloc (09022015). Collection method: clinical testing. Allele origin: germline.
Comment: This sequence change creates a premature translational stop signal (p.Asn2624Ilefs*20) in the APC gene. While this is not anticipated to result in nonsense mediated decay, it is expected to disrupt the last 220 amino acid(s) of the APC protein. This variant is not present in population databases (gnomAD no frequency). This variant has not been reported in the literature in individuals affected with APC-related conditions. ClinVar contains an entry for this variant (Variation ID: 2583525). This variant is expected to disrupt the EB1 and HDLG binding sites, which mediate interactions with the cytoskeleton (PMID: 15311282, 17293347). While functional studies have not been performed to directly test the effect on APC protein function, this suggests that disruption of the C-terminal portion of the protein is functionally important. A different truncation (p.Tyr2645Lysfs*14) that lies downstream of this variant has been determined to be pathogenic (PMID: 9824584, 1316610, 27081525, 8381579, 22135120, Invitae). This suggests that deletion of this region of the APC protein is causative of disease. For these reasons, this variant has been classified as Pathogenic.

Myriad Genetics, Inc.
Classification: Pathogenic for Familial adenomatous polyposis 1. Last evaluated: 2023-05-16. Review status: criteria provided, single submitter. Criteria: Myriad Autosomal Dominant, Autosomal Recessive and X-Linked Classification Criteria (2023). Collection method: clinical testing. Allele origin: unknown.
Comment: This variant is considered pathogenic. This variant creates a frameshift predicted to result in premature protein truncation.

Literature cited by the submitters: PubMed 15311282 (cited by Labcorp Genetics (formerly Invitae), Labcorp); PubMed 17293347 (cited by Labcorp Genetics (formerly Invitae), Labcorp); PubMed 9824584 (cited by Labcorp Genetics (formerly Invitae), Labcorp); PubMed 1316610 (cited by Labcorp Genetics (formerly Invitae), Labcorp); PubMed 27081525 (cited by Labcorp Genetics (formerly Invitae), Labcorp); PubMed 8381579 (cited by Labcorp Genetics (formerly Invitae), Labcorp); PubMed 22135120 (cited by Labcorp Genetics (formerly Invitae), Labcorp).

NM_000038.6(APC):c.7871del (p.Asn2624fs)

Gene: APC (APC regulator of Wnt signaling pathway; plus strand). Cytogenetic location: 5q22.2.
Variant type: Deletion.
Coding change: c.7871del on transcript NM_000038.6 (MANE Select); coding-DNA position 7871, one base deleted (A; older notation c.7871delA).
Protein change: p.Asn2624fs; shifts the reading frame from asparagine 2624.
Molecular consequence: frameshift variant. On other transcripts: non-coding transcript variant (2).
Genome position (GRCh38, 1-based): chr5:112,843,465, A deleted; the last of 3 consecutive A bases (chr5:112,843,463-112,843,465); deleting any one gives the same sequence. VCF-style (leftmost placement, unchanged base first): chr5-112843462-CA-C. GRCh37 (hg19) VCF-style: chr5-112179159-CA-C.
Other names: c.7871del, p.Asn2624fs (NM_001127510.3, NM_001354895.2, NM_001407450.1); c.7817del, p.Asn2606fs (NM_001127511.3); c.7925del, p.Asn2642fs (NM_001354896.2, NM_001407447.1, NM_001407448.1 and 1 more transcripts); c.7901del, p.Asn2634fs (NM_001354897.2); c.7796del, p.Asn2599fs (NM_001354898.2); c.7787del, p.Asn2596fs (NM_001354899.2); c.7748del, p.Asn2583fs (NM_001354900.2); c.7694del, p.Asn2565fs (NM_001354901.2, NM_001407453.1); and 11 more; short protein forms N2240fs, N2341fs, N2464fs, N2495fs, N2498fs, N2523fs, N2533fs, N2541fs.
Identifiers: ClinVar variation 2583525 (VCV002583525.4), dbSNP rs2533825688, ClinGen allele CA2582341636.
Genomic context (GRCh38, chr5:112,843,462, plus strand): 5'-AAAACCAAGTATCCGCAAAAGGAACATGGAGAAAAATAAAAGAAAATGAATTTTCTCCCA[CA>C]AATAGTACTTCTCAGACCGTTTCCTCAGGTGCTACAAATGGTGCTGAATCAAAGACTCTA-3'